The following is an entry in ClinVar:

ClinVar aggregate classification (germline): Pathogenic. Review status: criteria provided, multiple submitters, no conflicts (2 of 4 stars). 4 submissions from 4 submitters: Pathogenic (3). 1 of the submissions does not count toward it. Last evaluated 2022-09-01.

Conditions:
Leukodystrophy, hypomyelinating, 9. Identifiers: Orphanet 438114, MedGen C4015323, MONDO:0014506, OMIM 616140.

Allele frequency attached by ClinVar (database versions not stated): gnomAD exomes 0.00002; TOPMed 0.00002; gnomAD 0.00003 and 0.00004.

Submissions (4):

3billion
Classification: Pathogenic for Leukodystrophy, hypomyelinating, 9. Last evaluated: 2022-09-01. Review status: criteria provided, single submitter. Criteria: ACMG Guidelines, 2015. Collection method: clinical testing. Allele origin: germline. Affected: yes. Observed: 1 homozygote.
Comment: The variant is observed at an extremely low frequency in the gnomAD v2.1.1 dataset (total allele frequency: 0.003%). Start-lost is reinitiation of translation may occur at a downstream alternate start codon but still result in a loss or disruption of normal protein function as there have been pathogenic variants reported upstream of the alternate start codon. The variant has been reported to be in trans with a pathogenic variant as either compound heterozygous or homozygous in at least one similarly affected unrelated individual (PMID: 24777941). The variant has been reported at least twice as pathogenic with clinical assertions and evidence for the classification (ClinVar ID: VCV000162083 / PMID: 24777941). Therefore, this variant is classified as Pathogenic according to the recommendation of ACMG/AMP guideline.

Labcorp Genetics (formerly Invitae), Labcorp
Classification: Pathogenic. Last evaluated: 2019-04-30. Review status: criteria provided, single submitter. Criteria: Invitae Variant Classification Sherloc (09022015). Collection method: clinical testing. Allele origin: germline.
Comment: For these reasons, this variant has been classified as Pathogenic. Variants that affect the same initiator codon have been observed in individuals affected with clinical features of hypomyelinating leukodystrophy (PMID: 24777941, 27848944, 30791064, Invitae). ClinVar contains an entry for this variant (Variation ID: 162083). This variant is not present in population databases (ExAC no frequency). This sequence change affects the initiator methionine of the RARS mRNA. The next in-frame methionine is located at codon 73.

GeneDx
Classification: Pathogenic. Last evaluated: 2019-01-17. Review status: criteria provided, single submitter. Criteria: GeneDx Variant Classification (06012015). Collection method: clinical testing. Allele origin: germline. Affected: yes.
Comment: The c.1 A>G pathogenic variant in the RARS gene has previously been reported in association with hypomyelinating leukodystrophy in an individual who was compound heterozygous for another variant in RARs (Wolf et al., 2014). The pathogenic variant alters the initiator Methionine codon, and the resultant protein would be described as p.Met1? using a question mark to signify that it is not known if the loss of Met1 means that all protein translation is completely prevented or if an abnormal protein is produced using an alternate Met. Additionally, the c.1 A>G variant was not observed in approximately 6,400 individuals of European and African American ancestry in the NHLBI Exome Sequencing Project, indicating it is not a common benign variant in these populations. In summary, we interpret c.1 A>G to be a pathogenic variant."

OMIM
Classification: Pathogenic for LEUKODYSTROPHY, HYPOMYELINATING, 9. Last evaluated: 2014-04-29. Review status: no assertion criteria provided. Collection method: literature only. Allele origin: germline. Not counted in ClinVar's aggregate classification.

Literature cited by the submitters: PubMed 24777941 (cited by 3 submitters); PubMed 27848944 (cited by Labcorp Genetics (formerly Invitae), Labcorp); PubMed 30791064 (cited by Labcorp Genetics (formerly Invitae), Labcorp).

NM_002887.4(RARS1):c.1A>G (p.Met1Val)

Gene: RARS1 (arginyl-tRNA synthetase 1; plus strand). Cytogenetic location: 5q34.
Variant type: single nucleotide variant.
Coding change: c.1A>G on transcript NM_002887.4 (MANE Select); coding-DNA position 1, A replaced by G.
Protein change: p.Met1Val; changes the start codon (methionine 1).
Molecular consequence: missense variant, initiator codon variant.
Genome position (GRCh38, 1-based): chr5:168,486,499, A>G. VCF-style: chr5-168486499-A-G. GRCh37 (hg19) VCF-style: chr5-167913504-A-G.
Other names: short protein forms M1V.
Identifiers: ClinVar variation 162083 (VCV000162083.14), dbSNP rs672601375, ClinGen allele CA214534.